The following is an entry in ClinVar:

NM_170665.4(ATP2A2):c.*4428C>T

Gene: ATP2A2 (ATPase sarcoplasmic/endoplasmic reticulum Ca2+ transporting 2; plus strand). Cytogenetic location: 12q24.11.
Variant type: single nucleotide variant.
Coding change: c.*4428C>T on transcript NM_170665.4 (MANE Select); 4428 bases downstream of the stop codon, C replaced by T.
Molecular consequence: 3 prime UTR variant.
Genome position (GRCh38, 1-based): chr12:110,350,898, C>T. VCF-style: chr12-110350898-C-T. GRCh37 (hg19) VCF-style: chr12-110788703-C-T.
Other names: c.*593C>T (NM_001681.4).
Identifiers: ClinVar variation 882036 (VCV000882036.4), dbSNP rs55825821, ClinGen allele CA243523975.

ClinVar aggregate classification (germline): Benign (1 of 4 stars; one submission).

Conditions:
Keratosis follicularis (DAR). Also called: Darier disease; Darier's disease. Identifiers: Orphanet 218, MedGen C0022595, MONDO:0007417, OMIM 124200.

Allele frequency attached by ClinVar (database versions not stated): 1000 Genomes Project 0.00100; gnomAD 0.00135 and 0.00145; 1000 Genomes Project 30x 0.00141; TOPMed 0.00164.

Submission:

Illumina Laboratory Services, Illumina
Classification: Benign for Keratosis follicularis. Last evaluated: 2018-01-12. Review status: criteria provided, single submitter. Criteria: ICSL Variant Classification Criteria 13 December 2019. Collection method: clinical testing. Allele origin: germline.
Comment: This variant was observed in the ICSL laboratory as part of a predisposition screen in an ostensibly healthy population. It had not been previously curated by ICSL or reported in the Human Gene Mutation Database (HGMD: prior to June 1st, 2018), and was therefore a candidate for classification through an automated scoring system. Utilizing variant allele frequency, disease prevalence and penetrance estimates, and inheritance mode, an automated score was calculated to assess if this variant is too frequent to cause the disease. Based on the score and internal cut-off values, a variant classified as benign is not then subjected to further curation. The score for this variant resulted in a classification of benign for this disease.